The following is an entry in ClinVar:

ClinVar aggregate classification (germline): Pathogenic/Likely pathogenic. Review status: criteria provided, multiple submitters, no conflicts (2 of 4 stars). 5 submissions from 5 submitters: Pathogenic (2); Likely pathogenic (2). 1 of the submissions does not count toward it. Last evaluated 2024-12-09.

Conditions:
Citrullinemia, type II, adult-onset (CDAA). Also called: CITRIN DEFICIENCY, ADOLESCENT OR ADULT ONSET. Identifiers: Orphanet 247585, MedGen CN295299, MONDO:0011326, OMIM 603471.
Citrullinemia. Identifiers: Orphanet 187, MedGen C0175683, MONDO:0015991.
Citrullinemia type I (CTNL1). Also called: ASS DEFICIENCY; argininosuccinate synthetase deficiency. Identifiers: Orphanet 247525, MedGen C4721769, MONDO:0008988, OMIM 215700.
SLC25A13-related disorder. Also called: SLC25A13-related condition.
Citrin deficiency. Identifiers: Orphanet 247582, MedGen C1997910, MONDO:0016602.

Allele frequency attached by ClinVar (database versions not stated): ExAC 0.00001; gnomAD exomes 0.00001.
gnomAD v4.1: 6 of 1,589,360 alleles (0.00038%); highest among the groups gnomAD compares: Middle Eastern, 0.017%; no homozygotes.

Submissions (6):

Natera, Inc.
Classification: Pathogenic for Citrullinemia. Last evaluated: 2024-12-09. Review status: criteria provided, single submitter. Criteria: Natera Variant Classification Schema (03/2026). Collection method: clinical testing. Allele origin: germline.
Comment: The c.848+1G>T variant in SLC25A13 is a canonical splice donor site variant predicted to affect pre-mRNA splicing, which may result in an abnormal transcript and altered protein product. This variant is expected to result in nonsense mediated decay, truncation, or a dysfunctional protein product. This variant is rare in the general population with a frequency below the threshold expected for the associated phenotype(s). This variant has been observed in one or more individuals affected with the associated recessive disease, as either homozygous or compound heterozygous with a second variant (PMID: 36079864). Another variant at this same site results in an alteration predicted to cause a similar molecular effect has been observed in individual(s) with the associated phenotype. Given the available evidence, this variant is classified as Pathogenic.

Baylor Genetics
Classification: Likely pathogenic for Citrullinemia, type II, adult-onset. Last evaluated: 2024-03-30. Review status: criteria provided, single submitter. Criteria: ACMG Guidelines, 2015. Collection method: clinical testing. Allele origin: unknown.

Labcorp Genetics (formerly Invitae), Labcorp
Classification: Likely pathogenic for Citrin deficiency. Last evaluated: 2023-11-21. Review status: criteria provided, single submitter. Criteria: Invitae Variant Classification Sherloc (09022015). Collection method: clinical testing. Allele origin: germline.
Comment: This sequence change affects a donor splice site in intron 8 of the SLC25A13 gene. It is expected to disrupt RNA splicing. Variants that disrupt the donor or acceptor splice site typically lead to a loss of protein function (PMID: 16199547), and loss-of-function variants in SLC25A13 are known to be pathogenic (PMID: 10369257, 14680984, 27405544). This variant is present in population databases (rs761370420, gnomAD 0.004%). This variant has not been reported in the literature in individuals affected with SLC25A13-related conditions. ClinVar contains an entry for this variant (Variation ID: 802338). Algorithms developed to predict the effect of sequence changes on RNA splicing suggest that this variant may disrupt the consensus splice site. In summary, the currently available evidence indicates that the variant is pathogenic, but additional data are needed to prove that conclusively. Therefore, this variant has been classified as Likely Pathogenic.

Mendelics
Classification: Pathogenic for Citrullinemia type I. Last evaluated: 2019-05-28. Review status: criteria provided, single submitter. Criteria: Mendelics Assertion Criteria 2017. Collection method: clinical testing. Allele origin: unknown.

PreventionGenetics, part of Exact Sciences
Classification: Likely pathogenic for SLC25A13-related condition. Last evaluated: 2023-11-03. Review status: no assertion criteria provided. Collection method: clinical testing. Allele origin: germline. Not counted in ClinVar's aggregate classification.
Comment: The SLC25A13 c.848+1G>T variant is predicted to disrupt the GT donor site and interfere with normal splicing. To our knowledge, this variant has not been reported in the literature. This variant is reported in 0.0027% of alleles in individuals of European (Non-Finnish) descent in gnomAD. Variants that disrupt the consensus splice donor site in SLC25A13 are expected to be pathogenic. This variant is interpreted as likely pathogenic.

Dr. Peter K. Rogan Lab, Western University
No classification provided (evidence only). Condition: Melanoma. Review status: no classification provided. Collection method: in vitro. Allele origin: not applicable. Functional consequence: skipped exon. Not counted in ClinVar's aggregate classification.

Literature cited by the submitters: PubMed 36079864 (cited by Natera, Inc.); PubMed 16199547 (cited by Labcorp Genetics (formerly Invitae), Labcorp); PubMed 10369257 (cited by Labcorp Genetics (formerly Invitae), Labcorp); PubMed 14680984 (cited by Labcorp Genetics (formerly Invitae), Labcorp); PubMed 27405544 (cited by Labcorp Genetics (formerly Invitae), Labcorp).

NM_014251.3(SLC25A13):c.848+1G>T

Gene: SLC25A13 (solute carrier family 25 member 13; minus strand). Cytogenetic location: 7q21.3.
Variant type: single nucleotide variant.
Coding change: c.848+1G>T on transcript NM_014251.3 (MANE Select); the canonical splice donor site of the intron after coding-DNA position 848, G replaced by T.
Molecular consequence: splice donor variant.
Genome position (GRCh38, 1-based): chr7:96,189,580, C>A on the plus strand (G>T on the coding strand, the complement: SLC25A13 is on the minus strand). VCF-style: chr7-96189580-C-A. GRCh37 (hg19) VCF-style: chr7-95818892-C-A.
Other names: c.848+1G>T (NM_001160210.2).
Identifiers: ClinVar variation 802338 (VCV000802338.17), dbSNP rs761370420, ClinGen allele CA4353148.